The following is an entry in ClinVar:

NM_001042492.3(NF1):c.2711G>C (p.Cys904Ser)

Gene: NF1 (neurofibromin 1; plus strand). Cytogenetic location: 17q11.2.
Variant type: single nucleotide variant.
Coding change: c.2711G>C on transcript NM_001042492.3 (MANE Select); coding-DNA position 2711, G replaced by C.
Protein change: p.Cys904Ser; replaces cysteine 904 with serine.
Molecular consequence: missense variant.
Genome position (GRCh38, 1-based): chr17:31,229,326, G>C. VCF-style: chr17-31229326-G-C. GRCh37 (hg19) VCF-style: chr17-29556344-G-C.
Other names: c.2711G>C, p.Cys904Ser (NM_000267.4); short protein forms C904S.
Identifiers: ClinVar variation 1477425 (VCV001477425.8), dbSNP rs2151429496, ClinGen allele CA398985093.

ClinVar aggregate classification (germline): Uncertain significance (1 of 4 stars; one submission).

Conditions:
Neurofibromatosis, type 1 (NF1). Also called: Neurofibromatosis, type I; VON RECKLINGHAUSEN DISEASE; NEUROFIBROMATOSIS, TYPE I, SOMATIC; Peripheral type neurofibromatosis. Identifiers: Orphanet 636, MedGen C0027831, MONDO:0018975, OMIM 162200. Disease mechanism: loss of function.

Submission:

Labcorp Genetics (formerly Invitae), Labcorp
Classification: Uncertain significance for Neurofibromatosis, type 1. Last evaluated: 2023-11-22. Review status: criteria provided, single submitter. Criteria: Invitae Variant Classification Sherloc (09022015). Collection method: clinical testing. Allele origin: germline.
Comment: This sequence change replaces cysteine, which is neutral and slightly polar, with serine, which is neutral and polar, at codon 904 of the NF1 protein (p.Cys904Ser). This variant is not present in population databases (gnomAD no frequency). This missense change has been observed in individual(s) with clinical features of neurofibromatosis type 1 (PMID: 30098238). ClinVar contains an entry for this variant (Variation ID: 1477425). Advanced modeling of protein sequence and biophysical properties (such as structural, functional, and spatial information, amino acid conservation, physicochemical variation, residue mobility, and thermodynamic stability) performed at Invitae indicates that this missense variant is expected to disrupt NF1 protein function with a positive predictive value of 95%. In summary, the available evidence is currently insufficient to determine the role of this variant in disease. Therefore, it has been classified as a Variant of Uncertain Significance.

Literature cited by the submitters: PubMed 30098238.